The following is an entry in ClinVar:

NM_003002.4(SDHD):c.87T>A (p.Ala29=)

Gene: SDHD (succinate dehydrogenase complex subunit D; plus strand). Cytogenetic location: 11q23.1.
Variant type: single nucleotide variant.
Coding change: c.87T>A on transcript NM_003002.4 (MANE Select); coding-DNA position 87, T replaced by A.
Protein change: p.Ala29=; no amino-acid change (alanine 29 retained).
Molecular consequence: synonymous variant. On other transcripts: non-coding transcript variant (1), intron variant (1).
Genome position (GRCh38, 1-based): chr11:112,087,891, T>A. VCF-style: chr11-112087891-T-A. GRCh37 (hg19) VCF-style: chr11-111958615-T-A.
Other names: c.87T>A, p.Ala29= (NM_001276503.2, NM_001276506.2); c.52+932T>A (NM_001276504.2).
Identifiers: ClinVar variation 3904361 (VCV003904361.1).

ClinVar aggregate classification (germline): Benign (1 of 4 stars; one submission).

Conditions:
Pheochromocytoma/paraganglioma syndrome 1. Also called: PARAGANGLIOMAS, FAMILIAL NONCHROMAFFIN, 1; PGL 1; Paragangliomas familial 1; PARAGANGLIOMATA; Paragangliomas 1; Glomus tumors familial 1. Identifiers: Orphanet 29072, MedGen C3494181, MONDO:0008192, OMIM 168000.

Submission:

Myriad Genetics, Inc.
Classification: Benign for Pheochromocytoma/paraganglioma syndrome 1. Last evaluated: 2025-03-17. Review status: criteria provided, single submitter. Criteria: Myriad Autosomal Dominant, Autosomal Recessive and X-Linked Classification Criteria (2023). Collection method: clinical testing. Allele origin: unknown.
Comment: This variant is considered benign. This variant is a silent/synonymous amino acid change and it is not expected to impact splicing.